The following is an entry in ClinVar:

ClinVar aggregate classification (germline): Uncertain significance (1 of 4 stars; one submission).

Conditions:
Inborn genetic diseases. Identifiers: MedGen C0950123, MeSH D030342.

Submission:

Ambry Genetics
Classification: Uncertain significance for Inborn genetic diseases. Last evaluated: 2023-03-19. Review status: criteria provided, single submitter. Criteria: Ambry Variant Classification Scheme 2023. Collection method: clinical testing. Allele origin: germline.
Comment: The p.V218L variant (also known as c.652G>C), located in coding exon 5 of the MIB1 gene, results from a G to C substitution at nucleotide position 652. The valine at codon 218 is replaced by leucine, an amino acid with highly similar properties. This amino acid position is conserved. In addition, the in silico prediction for this alteration is inconclusive. Since supporting evidence is limited at this time, the clinical significance of this alteration remains unclear.

NM_020774.4(MIB1):c.652G>C (p.Val218Leu)

Gene: MIB1 (MIB E3 ubiquitin protein ligase 1; plus strand). Cytogenetic location: 18q11.2.
Variant type: single nucleotide variant.
Coding change: c.652G>C on transcript NM_020774.4 (MANE Select); coding-DNA position 652, G replaced by C.
Protein change: p.Val218Leu; replaces valine 218 with leucine.
Molecular consequence: missense variant.
Genome position (GRCh38, 1-based): chr18:21,778,118, G>C. VCF-style: chr18-21778118-G-C. GRCh37 (hg19) VCF-style: chr18-19358079-G-C.
Other names: short protein forms V218L.
Identifiers: ClinVar variation 2563668 (VCV002563668.2), dbSNP rs2510718674, ClinGen allele CA401743160.